The following is an entry in ClinVar:

NM_024675.4(PALB2):c.3261C>T (p.Ser1087=)

Gene: PALB2 (partner and localizer of BRCA2; minus strand). Cytogenetic location: 16p12.2.
Variant type: single nucleotide variant.
Coding change: c.3261C>T on transcript NM_024675.4 (MANE Select); coding-DNA position 3261, C replaced by T.
Protein change: p.Ser1087=; no amino-acid change (serine 1087 retained).
Molecular consequence: synonymous variant.
Genome position (GRCh38, 1-based): chr16:23,607,953, G>A on the plus strand (C>T on the coding strand, the complement: PALB2 is on the minus strand). VCF-style: chr16-23607953-G-A. GRCh37 (hg19) VCF-style: chr16-23619274-G-A.
Identifiers: ClinVar variation 232722 (VCV000232722.5), dbSNP rs876659947, ClinGen allele CA10579922.

ClinVar aggregate classification (germline): Benign/Likely benign. Review status: criteria provided, multiple submitters, no conflicts (2 of 4 stars). 2 submissions from 2 submitters: Benign (1); Likely benign (1). Last evaluated 2025-10-23.

Conditions:
Familial cancer of breast. Also called: BREAST CANCER, FAMILIAL; hereditary breast carcinoma; Hereditary breast cancer. Identifiers: Orphanet 227535, MedGen C0346153, MONDO:0016419, OMIM 114480. Disease mechanism: loss of function.
Hereditary cancer-predisposing syndrome. Also called: Neoplastic Syndromes, Hereditary; Tumor predisposition; Hereditary Cancer Syndrome; Hereditary neoplastic syndrome. Identifiers: Orphanet 140162, MedGen C0027672, MeSH D009386, MONDO:0015356.

Submissions (2):

Ambry Genetics
Classification: Likely benign for Hereditary cancer-predisposing syndrome. Last evaluated: 2025-10-23. Review status: criteria provided, single submitter. Criteria: Ambry Variant Classification Scheme 2023. Collection method: clinical testing. Allele origin: germline.

Myriad Genetics, Inc.
Classification: Benign for Familial cancer of breast. Last evaluated: 2025-01-22. Review status: criteria provided, single submitter. Criteria: Myriad Autosomal Dominant, Autosomal Recessive and X-Linked Classification Criteria (2023). Collection method: clinical testing. Allele origin: unknown.
Comment: This variant is considered benign. This variant is a silent/synonymous amino acid change and it is not expected to impact splicing.